The following is an entry in ClinVar:

ClinVar aggregate classification (germline): Pathogenic (1 of 4 stars; one submission).

Conditions:
Familial focal epilepsy with variable foci (FPEVF). Identifiers: Orphanet 98820, MedGen C1858477, MONDO:0020310.

Submission:

Labcorp Genetics (formerly Invitae), Labcorp
Classification: Pathogenic for Familial focal epilepsy with variable foci. Last evaluated: 2023-02-13. Review status: criteria provided, single submitter. Criteria: Invitae Variant Classification Sherloc (09022015). Collection method: clinical testing. Allele origin: germline.
Comment: This sequence change creates a premature translational stop signal (p.Tyr969*) in the DEPDC5 gene. It is expected to result in an absent or disrupted protein product. Loss-of-function variants in DEPDC5 are known to be pathogenic (PMID: 23542697, 23542701). This variant is not present in population databases (gnomAD no frequency). This variant has not been reported in the literature in individuals affected with DEPDC5-related conditions. For these reasons, this variant has been classified as Pathogenic.

Literature cited by the submitters: PubMed 23542697; PubMed 23542701.

NM_001242896.3(DEPDC5):c.2907T>G (p.Tyr969Ter)

Gene: DEPDC5 (DEP domain containing 5, GATOR1 subcomplex subunit; plus strand). Cytogenetic location: 22q12.3.
Variant type: single nucleotide variant.
Coding change: c.2907T>G on transcript NM_001242896.3 (MANE Select); coding-DNA position 2907, T replaced by G.
Protein change: p.Tyr969Ter; replaces tyrosine 969 with a stop codon.
Molecular consequence: nonsense. On other transcripts: non-coding transcript variant (5).
Genome position (GRCh38, 1-based): chr22:31,845,123, T>G. VCF-style: chr22-31845123-T-G. GRCh37 (hg19) VCF-style: chr22-32241109-T-G.
Other names: c.2880T>G, p.Tyr960Ter (NM_001136029.4, NM_001369903.1, NM_014662.6); c.2673T>G, p.Tyr891Ter (NM_001242897.2, NM_001363854.2, NM_001364319.2); c.2907T>G, p.Tyr969Ter (NM_001363852.2, NM_001364318.2, NM_001364320.2); c.2823T>G, p.Tyr941Ter (NM_001369901.1, NM_001369902.1); short protein forms Y891*, Y941*, Y960*, Y969*.
Identifiers: ClinVar variation 2836696 (VCV002836696.3), dbSNP rs2520187527, ClinGen allele CA411291196.